The following is an entry in ClinVar:

NM_000361.3(THBD):c.80G>A (p.Gly27Asp)

Gene: THBD (thrombomodulin; minus strand). Cytogenetic location: 20p11.21.
Variant type: single nucleotide variant.
Coding change: c.80G>A on transcript NM_000361.3 (MANE Select); coding-DNA position 80, G replaced by A.
Protein change: p.Gly27Asp; replaces glycine 27 with aspartic acid.
Molecular consequence: missense variant.
Genome position (GRCh38, 1-based): chr20:23,049,425, C>T on the plus strand (G>A on the coding strand, the complement: THBD is on the minus strand). VCF-style: chr20-23049425-C-T. GRCh37 (hg19) VCF-style: chr20-23030062-C-T.
Other names: p.Gly27Asp; short protein forms G27D.
Identifiers: ClinVar variation 2179921 (VCV002179921.8), dbSNP rs751742571, ClinGen allele CA9787800.

ClinVar aggregate classification (germline): Uncertain significance. Review status: criteria provided, multiple submitters, no conflicts (2 of 4 stars). 5 submissions from 5 submitters: Uncertain significance (5). Last evaluated 2026-01-07.

Conditions:
Atypical hemolytic-uremic syndrome with thrombomodulin anomaly. Also called: HEMOLYTIC UREMIC SYNDROME, ATYPICAL, SUSCEPTIBILITY TO, 6; AHUS, SUSCEPTIBILITY TO, 6. Identifiers: MedGen C2752036, MONDO:0013044, OMIM 612926. Disease mechanism: gain of function.
Thrombomodulin-related bleeding disorder (THPH12). Also called: Thrombophilia due to thrombomodulin defect. Identifiers: Orphanet 436169, MedGen C3280976, MONDO:0013775, OMIM 614486.
THBD-related disorder. Also called: THBD-related condition.
Inborn genetic diseases. Identifiers: MedGen C0950123, MeSH D030342.

Allele frequency attached by ClinVar (database versions not stated): TOPMed 0.00004; gnomAD 0.00006.

Submissions (5):

Labcorp Genetics (formerly Invitae), Labcorp
Classification: Uncertain significance. Last evaluated: 2026-01-07. Review status: criteria provided, single submitter. Criteria: Invitae Variant Classification Sherloc (09022015). Collection method: clinical testing. Allele origin: germline.
Comment: This sequence change replaces glycine, which is neutral and non-polar, with aspartic acid, which is acidic and polar, at codon 27 of the THBD protein (p.Gly27Asp). The frequency data for this variant in the population databases is considered unreliable, as metrics indicate poor data quality at this position in the gnomAD database. This variant has not been reported in the literature in individuals affected with THBD-related conditions. ClinVar contains an entry for this variant (Variation ID: 2179921). Invitae Evidence Modeling of protein sequence and biophysical properties (such as structural, functional, and spatial information, amino acid conservation, physicochemical variation, residue mobility, and thermodynamic stability) indicates that this missense variant is not expected to disrupt THBD protein function with a negative predictive value of 80%. In summary, the available evidence is currently insufficient to determine the role of this variant in disease. Therefore, it has been classified as a Variant of Uncertain Significance.

PreventionGenetics, part of Exact Sciences
Classification: Uncertain significance for THBD-related condition. Last evaluated: 2025-06-12. Review status: criteria provided, single submitter. Criteria: ACMG Guidelines, 2015. Collection method: clinical testing. Allele origin: germline.
Comment: The THBD c.80G>A variant is predicted to result in the amino acid substitution p.Gly27Asp. To our knowledge, this variant has not been reported in the literature. This variant is reported in 0.0059% of alleles in individuals of African descent in gnomAD. At this time, the clinical significance of this variant is uncertain due to the absence of conclusive functional and genetic evidence.

Fulgent Genetics
Classification: Uncertain significance for Atypical hemolytic-uremic syndrome with thrombomodulin anomaly; Thrombomodulin-related bleeding disorder. Last evaluated: 2024-06-19. Review status: criteria provided, single submitter. Criteria: ACMG Guidelines, 2015. Collection method: clinical testing. Allele origin: germline.

Ambry Genetics
Classification: Uncertain significance for Inborn genetic diseases. Last evaluated: 2024-05-01. Review status: criteria provided, single submitter. Criteria: Ambry Variant Classification Scheme 2023. Collection method: clinical testing. Allele origin: germline.

Mayo Clinic Laboratories, Mayo Clinic
Classification: Uncertain significance. Last evaluated: 2024-03-11. Review status: criteria provided, single submitter. Criteria: ACMG Guidelines, 2015. Collection method: clinical testing. Allele origin: germline. Observed: 1 variant allele.
Comment: BP4